The following is an entry in ClinVar:

ClinVar aggregate classification (germline): Uncertain significance (1 of 4 stars; one submission).

gnomAD v4.1: 1 of 1,613,048 alleles (0.000062%); highest among the groups gnomAD compares: Non-Finnish European, 0.000085%; no homozygotes.

Submission:

Ambry Genetics
Classification: Uncertain significance. Last evaluated: 2023-09-22. Review status: criteria provided, single submitter. Criteria: Ambry Variant Classification Scheme 2023. Collection method: clinical testing. Allele origin: germline.
Comment: The p.A667S variant (also known as c.1999G>T), located in coding exon 20 of the KIF1B gene, results from a G to T substitution at nucleotide position 1999. The alanine at codon 667 is replaced by serine, an amino acid with similar properties. This amino acid position is conserved. In addition, this alteration is predicted to be tolerated by in silico analysis. Since supporting evidence is limited at this time, the clinical significance of this alteration remains unclear.

NM_001365951.3(KIF1B):c.2137G>T (p.Ala713Ser)

Gene: KIF1B (kinesin family member 1B; plus strand). Cytogenetic location: 1p36.22.
Variant type: single nucleotide variant.
Coding change: c.2137G>T on transcript NM_001365951.3 (MANE Select); coding-DNA position 2137, G replaced by T.
Protein change: p.Ala713Ser; replaces alanine 713 with serine.
Molecular consequence: missense variant.
Genome position (GRCh38, 1-based): chr1:10,320,064, G>T. VCF-style: chr1-10320064-G-T. GRCh37 (hg19) VCF-style: chr1-10380122-G-T.
Other names: c.2137G>T, p.Ala713Ser (NM_001365952.1); c.1999G>T, p.Ala667Ser (NM_015074.3); short protein forms A667S, A713S.
Identifiers: ClinVar variation 3226379 (VCV003226379.1), dbSNP rs1354927981, ClinGen allele CA338332279.